The following is an entry in ClinVar:

ClinVar aggregate classification (germline): Uncertain significance (1 of 4 stars; one submission).

Conditions:
FCSK-related disorder. Also called: FCSK-related condition.

gnomAD v4.1: 2 of 1,613,748 alleles (0.00012%); highest among the groups gnomAD compares: Non-Finnish European, 0.000085%; no homozygotes.

Submission:

PreventionGenetics, part of Exact Sciences
Classification: Uncertain significance for FCSK-related condition. Last evaluated: 2025-06-13. Review status: criteria provided, single submitter. Criteria: ACMG Guidelines, 2015. Collection method: clinical testing. Allele origin: germline.
Comment: The FCSK c.3100A>T variant is predicted to result in the amino acid substitution p.Thr1034Ser. To our knowledge, this variant has not been reported in the literature or in a large population database (gnomAD), indicating this variant is rare. At this time, the clinical significance of this variant is uncertain due to the absence of conclusive functional and genetic evidence.

NM_145059.3(FCSK):c.3100A>T (p.Thr1034Ser)

Gene: FCSK (fucose kinase; plus strand). Cytogenetic location: 16q22.1.
Variant type: single nucleotide variant.
Coding change: c.3100A>T on transcript NM_145059.3 (MANE Select); coding-DNA position 3100, A replaced by T.
Protein change: p.Thr1034Ser; replaces threonine 1034 with serine.
Molecular consequence: missense variant.
Genome position (GRCh38, 1-based): chr16:70,479,350, A>T. VCF-style: chr16-70479350-A-T. GRCh37 (hg19) VCF-style: chr16-70513253-A-T.
Other names: short protein forms T1034S.
Identifiers: ClinVar variation 4999491 (VCV004999491.1).
Genomic context (GRCh38, chr16:70,479,350, plus strand): 5'-CCCCACGTGCATGGCCAGAGCCTGGCTGGGGCAGGCGGTGGAGGCTTTCTCTATCTGTTG[A>T]CCAAGGAGCCACAGCAAAAGGAGGCCTTGGAGGCGGTGCTGGCCAAGACCGAGGTACTGA-3'
Protein context (NP_659496.2, residues 1024-1044): AGGGGFLYLL[Thr1034Ser]KEPQQKEALE